The following is an entry in ClinVar:

ClinVar aggregate classification (germline): Uncertain significance. Review status: criteria provided, multiple submitters, no conflicts (2 of 4 stars). 2 submissions from 2 submitters: Uncertain significance (2). Last evaluated 2024-01-28.

Conditions:
Neurofibromatosis, type 1 (NF1). Also called: NEUROFIBROMATOSIS, TYPE I, SOMATIC; Neurofibromatosis, type I; Peripheral type neurofibromatosis; VON RECKLINGHAUSEN DISEASE. Identifiers: Orphanet 636, MedGen C0027831, MONDO:0018975, OMIM 162200. Disease mechanism: loss of function.

Submissions (2):

GeneDx
Classification: Uncertain significance. Last evaluated: 2024-01-28. Review status: criteria provided, single submitter. Criteria: GeneDx Variant Classification Process June 2021. Collection method: clinical testing. Allele origin: germline. Affected: yes.
Comment: Not observed at significant frequency in large population cohorts (gnomAD); In silico analysis supports that this missense variant has a deleterious effect on protein structure/function; Has not been previously published as pathogenic or benign to our knowledge

Labcorp Genetics (formerly Invitae), Labcorp
Classification: Uncertain significance for Neurofibromatosis, type 1. Last evaluated: 2022-03-27. Review status: criteria provided, single submitter. Criteria: Invitae Variant Classification Sherloc (09022015). Collection method: clinical testing. Allele origin: germline.
Comment: In summary, the available evidence is currently insufficient to determine the role of this variant in disease. Therefore, it has been classified as a Variant of Uncertain Significance. Advanced modeling of protein sequence and biophysical properties (such as structural, functional, and spatial information, amino acid conservation, physicochemical variation, residue mobility, and thermodynamic stability) performed at Invitae indicates that this missense variant is expected to disrupt NF1 protein function. This variant has not been reported in the literature in individuals affected with NF1-related conditions. This variant is not present in population databases (gnomAD no frequency). This sequence change replaces threonine, which is neutral and polar, with alanine, which is neutral and non-polar, at codon 89 of the NF1 protein (p.Thr89Ala).

NM_001042492.3(NF1):c.265A>G (p.Thr89Ala)

Gene: NF1 (neurofibromin 1; plus strand). Cytogenetic location: 17q11.2.
Variant type: single nucleotide variant.
Coding change: c.265A>G on transcript NM_001042492.3 (MANE Select); coding-DNA position 265, A replaced by G.
Protein change: p.Thr89Ala; replaces threonine 89 with alanine.
Molecular consequence: missense variant.
Genome position (GRCh38, 1-based): chr17:31,159,070, A>G. VCF-style: chr17-31159070-A-G. GRCh37 (hg19) VCF-style: chr17-29486088-A-G.
Other names: c.265A>G, p.Thr89Ala (NM_000267.4, NM_001128147.3); short protein forms T89A.
Identifiers: ClinVar variation 2118115 (VCV002118115.5), dbSNP rs2143646355, ClinGen allele CA398989755.